The following is an entry in ClinVar:

ClinVar aggregate classification (germline): Uncertain significance. Review status: criteria provided, multiple submitters, no conflicts (2 of 4 stars). 2 submissions from 2 submitters: Uncertain significance (2). Last evaluated 2023-10-03.

Conditions:
Bone mineral density quantitative trait locus 1 (BMND1). Identifiers: MedGen C1866079, OMIM 601884.
Worth disease. Also called: ENDOSTEAL HYPEROSTOSIS, AUTOSOMAL DOMINANT; OSTEOSCLEROSIS, AUTOSOMAL DOMINANT; Autosomal dominant osteosclerosis, Worth type. Identifiers: Orphanet 2790, MedGen C0432273, MONDO:0007764, OMIM 144750.
Exudative vitreoretinopathy 4 (EVR4). Identifiers: Orphanet 891, MedGen C1866176, MONDO:0011151, OMIM 601813.
Osteoporosis. Identifiers: MedGen C0029456, MONDO:0005298, OMIM 166710, HP:0000939.
Polycystic liver disease 4 with or without kidney cysts. Identifiers: MedGen C4693479, MONDO:0044327, OMIM 617875.
Exudative vitreoretinopathy 1 (EVR1). Also called: CRISWICK-SCHEPENS SYNDROME; FEVR, AUTOSOMAL DOMINANT; Familial exudative vitreoretinopathy, autosomal dominant. Identifiers: Orphanet 891, Orphanet 90050, MedGen C1851402, MONDO:0007589, OMIM 133780.
Autosomal dominant osteopetrosis 1 (OPTA1). Also called: OSTEOPETROSIS, AUTOSOMAL DOMINANT, TYPE I. Identifiers: Orphanet 2783, MedGen C1843330, MONDO:0011877, OMIM 607634.
Osteoporosis with pseudoglioma (OPPG). Also called: osteoporosis-pseudoglioma syndrome. Identifiers: Orphanet 2788, MedGen C0432252, MONDO:0009820, OMIM 259770.

Allele frequency attached by ClinVar (database versions not stated): gnomAD exomes below 0.00001; gnomAD 0.00001.
gnomAD v4.1: 6 of 1,613,770 alleles (0.00037%); highest among the groups gnomAD compares: Admixed American, 0.0017%; no homozygotes.

Submissions (2):

Labcorp Genetics (formerly Invitae), Labcorp
Classification: Uncertain significance. Last evaluated: 2023-10-03. Review status: criteria provided, single submitter. Criteria: Invitae Variant Classification Sherloc (09022015). Collection method: clinical testing. Allele origin: germline.
Comment: This sequence change replaces aspartic acid, which is acidic and polar, with asparagine, which is neutral and polar, at codon 1356 of the LRP5 protein (p.Asp1356Asn). This variant is present in population databases (no rsID available, gnomAD 0.003%). This variant has not been reported in the literature in individuals affected with LRP5-related conditions. ClinVar contains an entry for this variant (Variation ID: 1024039). Advanced modeling of protein sequence and biophysical properties (such as structural, functional, and spatial information, amino acid conservation, physicochemical variation, residue mobility, and thermodynamic stability) has been performed at Invitae for this missense variant, however the output from this modeling did not meet the statistical confidence thresholds required to predict the impact of this variant on LRP5 protein function. In summary, the available evidence is currently insufficient to determine the role of this variant in disease. Therefore, it has been classified as a Variant of Uncertain Significance.

Fulgent Genetics
Classification: Uncertain significance for Exudative vitreoretinopathy 1; Worth disease; Osteoporosis; Osteoporosis with pseudoglioma; Exudative vitreoretinopathy 4; Bone mineral density quantitative trait locus 1; Autosomal dominant osteopetrosis 1; Polycystic liver disease 4 with or without kidney cysts. Last evaluated: 2022-01-07. Review status: criteria provided, single submitter. Criteria: ACMG Guidelines, 2015. Collection method: clinical testing. Allele origin: unknown.

NM_002335.4(LRP5):c.4066G>A (p.Asp1356Asn)

Gene: LRP5 (LDL receptor related protein 5; plus strand). Cytogenetic location: 11q13.2.
Variant type: single nucleotide variant.
Coding change: c.4066G>A on transcript NM_002335.4 (MANE Select); coding-DNA position 4066, G replaced by A.
Protein change: p.Asp1356Asn; replaces aspartic acid 1356 with asparagine.
Molecular consequence: missense variant.
Genome position (GRCh38, 1-based): chr11:68,436,954, G>A. VCF-style: chr11-68436954-G-A. GRCh37 (hg19) VCF-style: chr11-68204422-G-A.
Other names: c.2323G>A, p.Asp775Asn (NM_001291902.2); short protein forms D1356N, D775N.
Identifiers: ClinVar variation 1024039 (VCV001024039.10), dbSNP rs1257556169, ClinGen allele CA381614586.